The following is an entry in ClinVar:

NM_001365536.1(SCN9A):c.92A>T (p.Lys31Ile)

Gene: SCN9A (sodium voltage-gated channel alpha subunit 9; minus strand). Cytogenetic location: 2q24.3.
Variant type: single nucleotide variant.
Coding change: c.92A>T on transcript NM_001365536.1 (MANE Select); coding-DNA position 92, A replaced by T.
Protein change: p.Lys31Ile; replaces lysine 31 with isoleucine.
Molecular consequence: missense variant.
Genome position (GRCh38, 1-based): chr2:166,311,665, T>A on the plus strand (A>T on the coding strand, the complement: SCN9A is on the minus strand). VCF-style: chr2-166311665-T-A. GRCh37 (hg19) VCF-style: chr2-167168175-T-A.
Other names: c.92A>T, p.Lys31Ile (NM_002977.4); short protein forms K31I.
Identifiers: ClinVar variation 1471594 (VCV001471594.9), dbSNP rs920979487, ClinGen allele CA59810432.

ClinVar aggregate classification (germline): Uncertain significance. Review status: criteria provided, multiple submitters, no conflicts (2 of 4 stars). 2 submissions from 2 submitters: Uncertain significance (2). Last evaluated 2023-08-10.

Conditions:
Neuropathy, hereditary sensory and autonomic, type 2A (HSAN2A). Also called: WNK1-Related HSAN2 (HSAN2A); ACROOSTEOLYSIS, GIACCAI TYPE; ACROOSTEOLYSIS, NEUROGENIC; HSAN IIA; MORVAN DISEASE; NEUROPATHY, CONGENITAL SENSORY. Identifiers: Orphanet 970, MedGen C2752089, MONDO:0024309, OMIM 201300.
Generalized epilepsy with febrile seizures plus, type 7 (GEFSP7). Also called: GEFS+, TYPE 7. Identifiers: Orphanet 36387, MedGen C2751778, MONDO:0013470, OMIM 613863.
Inborn genetic diseases. Identifiers: MedGen C0950123, MeSH D030342.

Allele frequency attached by ClinVar (database versions not stated): gnomAD exomes below 0.00001; gnomAD 0.00001.
gnomAD v4.1: 3 of 1,613,404 alleles (0.00019%); highest among the groups gnomAD compares: African/African-American, 0.004%; no homozygotes.

Submissions (2):

Labcorp Genetics (formerly Invitae), Labcorp
Classification: Uncertain significance for Neuropathy, hereditary sensory and autonomic, type 2A; Generalized epilepsy with febrile seizures plus, type 7. Last evaluated: 2023-08-10. Review status: criteria provided, single submitter. Criteria: Invitae Variant Classification Sherloc (09022015). Collection method: clinical testing. Allele origin: germline.
Comment: In summary, the available evidence is currently insufficient to determine the role of this variant in disease. Therefore, it has been classified as a Variant of Uncertain Significance. Advanced modeling of protein sequence and biophysical properties (such as structural, functional, and spatial information, amino acid conservation, physicochemical variation, residue mobility, and thermodynamic stability) has been performed at Invitae for this missense variant, however the output from this modeling did not meet the statistical confidence thresholds required to predict the impact of this variant on SCN9A protein function. ClinVar contains an entry for this variant (Variation ID: 1471594). This variant has not been reported in the literature in individuals affected with SCN9A-related conditions. This variant is not present in population databases (gnomAD no frequency). This sequence change replaces lysine, which is basic and polar, with isoleucine, which is neutral and non-polar, at codon 31 of the SCN9A protein (p.Lys31Ile).

Ambry Genetics
Classification: Uncertain significance for Inborn genetic diseases. Last evaluated: 2023-03-21. Review status: criteria provided, single submitter. Criteria: Ambry Variant Classification Scheme 2023. Collection method: clinical testing. Allele origin: germline.